The following is an entry in ClinVar:

ClinVar aggregate classification (germline): Uncertain significance (1 of 4 stars; one submission).

gnomAD v4.1: 46 of 1,612,672 alleles (0.0029%); highest among the groups gnomAD compares: African/African-American, 0.055%; no homozygotes.

Submission:

Women's Health and Genetics/Laboratory Corporation of America, LabCorp
Classification: Uncertain significance. Last evaluated: 2024-09-05. Review status: criteria provided, single submitter. Criteria: LabCorp Variant Classification Summary - May 2015. Collection method: clinical testing. Allele origin: germline.
Comment: Variant summary: GLI2 c.3634C>A (p.Pro1212Thr) results in a non-conservative amino acid change in the encoded protein sequence. Four of five in-silico tools predict a benign effect of the variant on protein function. The variant allele was found at a frequency of 4.9e-05 in 245906 control chromosomes (gnomAD). To our knowledge, no occurrence of c.3634C>A in individuals affected with GLI2-Related Disorders and no experimental evidence demonstrating its impact on protein function have been reported. No submitters have cited clinical-significance assessments for this variant to ClinVar. Based on the evidence outlined above, the variant was classified as uncertain significance.

NM_001374353.1(GLI2):c.3583C>A (p.Pro1195Thr)

Gene: GLI2 (GLI family zinc finger 2; plus strand). Cytogenetic location: 2q14.2.
Variant type: single nucleotide variant.
Coding change: c.3583C>A on transcript NM_001374353.1 (MANE Select); coding-DNA position 3583, C replaced by A.
Protein change: p.Pro1195Thr; replaces proline 1195 with threonine.
Molecular consequence: missense variant.
Genome position (GRCh38, 1-based): chr2:120,989,548, C>A. VCF-style: chr2-120989548-C-A. GRCh37 (hg19) VCF-style: chr2-121747124-C-A.
Other names: c.3634C>A, p.Pro1212Thr (NM_001371271.1, NM_005270.5); c.3208C>A, p.Pro1070Thr (NM_001374354.1); short protein forms P1070T, P1195T, P1212T.
Identifiers: ClinVar variation 3375040 (VCV003375040.1).